The following is an entry in ClinVar:

ClinVar aggregate classification (germline): Uncertain significance (1 of 4 stars; one submission).

Conditions:
Cardiovascular phenotype. Identifiers: MedGen CN230736.

gnomAD v4.1: 1 of 1,551,742 alleles (0.000064%); highest among the groups gnomAD compares: East Asian, 0.0024%; no homozygotes.

Submission:

Ambry Genetics
Classification: Uncertain significance for Cardiovascular phenotype. Last evaluated: 2020-12-23. Review status: criteria provided, single submitter. Criteria: Ambry Variant Classification Scheme 2023. Collection method: clinical testing. Allele origin: germline.
Comment: The p.K1067N variant (also known as c.3201G>T), located in coding exon 11 of the RBM20 gene, results from a G to T substitution at nucleotide position 3201. The lysine at codon 1067 is replaced by asparagine, an amino acid with similar properties. This amino acid position is highly conserved in available vertebrate species. In addition, this alteration is predicted to be tolerated by in silico analysis. Since supporting evidence is limited at this time, the clinical significance of this alteration remains unclear.

NM_001134363.3(RBM20):c.3201G>T (p.Lys1067Asn)

Gene: RBM20 (RNA binding motif protein 20; plus strand). Cytogenetic location: 10q25.2.
Variant type: single nucleotide variant.
Coding change: c.3201G>T on transcript NM_001134363.3 (MANE Select); coding-DNA position 3201, G replaced by T.
Protein change: p.Lys1067Asn; replaces lysine 1067 with asparagine.
Molecular consequence: missense variant.
Genome position (GRCh38, 1-based): chr10:110,821,820, G>T. VCF-style: chr10-110821820-G-T. GRCh37 (hg19) VCF-style: chr10-112581578-G-T.
Other names: short protein forms K1067N.
Identifiers: ClinVar variation 1728831 (VCV001728831.2), dbSNP rs1051700573, ClinGen allele CA378381797.